The following is an entry in ClinVar:

NM_170707.4(LMNA):c.1558T>A (p.Trp520Arg)

Gene: LMNA (lamin A/C; plus strand). Cytogenetic location: 1q22.
Variant type: single nucleotide variant.
Coding change: c.1558T>A on transcript NM_170707.4 (MANE Select); coding-DNA position 1558, T replaced by A.
Protein change: p.Trp520Arg; replaces tryptophan 520 with arginine.
Molecular consequence: missense variant.
Genome position (GRCh38, 1-based): chr1:156,137,182, T>A. VCF-style: chr1-156137182-T-A. GRCh37 (hg19) VCF-style: chr1-156106973-T-A.
Other names: c.1222T>A, p.Trp408Arg (NM_001257374.3); c.1315T>A, p.Trp439Arg (NM_001282624.2); c.1558T>A, p.Trp520Arg (NM_001282625.2, NM_001282626.2, NM_005572.4 and 1 more transcripts); short protein forms W439R, W520R, W408R.
Identifiers: ClinVar variation 943114 (VCV000943114.9), dbSNP rs267607557, ClinGen allele CA342823345.

ClinVar aggregate classification (germline): Pathogenic (1 of 4 stars; one submission).

Conditions:
Charcot-Marie-Tooth disease type 2. Also called: Charcot-Marie-Tooth type 2. Identifiers: Orphanet 64746, MedGen C0270914, MONDO:0018993.

Submission:

Labcorp Genetics (formerly Invitae), Labcorp
Classification: Pathogenic for Charcot-Marie-Tooth disease type 2. Last evaluated: 2019-08-02. Review status: criteria provided, single submitter. Criteria: Invitae Variant Classification Sherloc (09022015). Collection method: clinical testing. Allele origin: germline.
Comment: This variant disrupts the p.Trp520 amino acid residue in LMNA. Other variant(s) that disrupt this residue have been observed in individuals with LMNA-related conditions (PMID: 28688748, 10939567, 29211919), which suggests that this may be a clinically significant amino acid residue. For these reasons, this variant has been classified as Pathogenic. A different variant (c.1558T>C) giving rise to the same protein effect observed here (p.Trp520Arg) has been determined to be pathogenic (PMID: 25572245, 26098624,29211919, 29770364). This suggests that this variant is also likely to be causative of disease. Algorithms developed to predict the effect of missense changes on protein structure and function (SIFT, PolyPhen-2, Align-GVGD) all suggest that this variant is likely to be disruptive, but these predictions have not been confirmed by published functional studies and their clinical significance is uncertain. This variant has not been reported in the literature in individuals with LMNA-related conditions. This variant is not present in population databases (ExAC no frequency). This sequence change replaces tryptophan with arginine at codon 520 of the LMNA protein (p.Trp520Arg). The tryptophan residue is highly conserved and there is a moderate physicochemical difference between tryptophan and arginine.

Literature cited by the submitters: PubMed 28688748; PubMed 10939567; PubMed 29211919; PubMed 25572245; PubMed 26098624; PubMed 29770364.